The following is an entry in ClinVar:

ClinVar aggregate classification (germline): Likely pathogenic (1 of 4 stars; one submission).

Conditions:
Senior-Loken syndrome 6 (SLSN6). Identifiers: Orphanet 3156, MedGen C1857779, MONDO:0012433, OMIM 610189.
Meckel syndrome, type 4 (MKS4). Also called: MECKEL-GRUBER SYNDROME, TYPE 4. Identifiers: Orphanet 564, MedGen C1970161, MONDO:0012626, OMIM 611134.
Joubert syndrome 5 (JBTS5). Identifiers: Orphanet 2318, MedGen C1857780, MONDO:0012432, OMIM 610188.
Bardet-Biedl syndrome 14 (BBS14). Identifiers: Orphanet 110, MedGen C2673874, MONDO:0014442, OMIM 615991.
Leber congenital amaurosis 10 (LCA10). Identifiers: Orphanet 65, MedGen C1857821, MONDO:0012723, OMIM 611755.

Submission:

Juno Genomics, Hangzhou Juno Genomics, Inc
Classification: Likely pathogenic for Bardet-Biedl syndrome 14; Joubert syndrome 5; Leber congenital amaurosis 10; Meckel syndrome, type 4; Senior-Loken syndrome 6. Review status: criteria provided, single submitter. Criteria: ACMG Guidelines, 2015. Collection method: clinical testing. Allele origin: germline.
Comment: Null variant in a gene where loss of function (LOF) is a known mechanism of disease.;Absent from controls (or at extremely low frequency if recessive) in Genome Aggregation Database.

NM_025114.4(CEP290):c.7129+1G>T

Gene: CEP290 (centrosomal protein 290; minus strand). Cytogenetic location: 12q21.32.
Variant type: single nucleotide variant.
Coding change: c.7129+1G>T on transcript NM_025114.4 (MANE Select); the canonical splice donor site of the intron after coding-DNA position 7129, G replaced by T.
Molecular consequence: splice donor variant.
Genome position (GRCh38, 1-based): chr12:88,053,651, C>A on the plus strand (G>T on the coding strand, the complement: CEP290 is on the minus strand). VCF-style: chr12-88053651-C-A. GRCh37 (hg19) VCF-style: chr12-88447428-C-A.
Identifiers: ClinVar variation 5005189 (VCV005005189.2).